The following is an entry in ClinVar:

ClinVar aggregate classification (germline): Uncertain significance. Review status: criteria provided, multiple submitters, no conflicts (2 of 4 stars). 2 submissions from 2 submitters: Uncertain significance (2). Last evaluated 2025-10-20.

Allele frequency attached by ClinVar (database versions not stated): gnomAD 0.00001 and 0.00002; gnomAD exomes 0.00002 and 0.00006; TOPMed 0.00003; ExAC 0.00007.
gnomAD v4.1: 27 of 1,612,306 alleles (0.0017%); highest among the groups gnomAD compares: Admixed American, 0.023%; no homozygotes.

Submissions (2):

Labcorp Genetics (formerly Invitae), Labcorp
Classification: Uncertain significance. Last evaluated: 2025-10-20. Review status: criteria provided, single submitter. Criteria: Invitae Variant Classification Sherloc (09022015). Collection method: clinical testing. Allele origin: germline.
Comment: This sequence change replaces aspartic acid, which is acidic and polar, with asparagine, which is neutral and polar, at codon 1834 of the ITPR1 protein (p.Asp1834Asn). This variant is present in population databases (rs370615766, gnomAD 0.04%). This variant has not been reported in the literature in individuals affected with ITPR1-related conditions. ClinVar contains an entry for this variant (Variation ID: 1306731). Invitae Evidence Modeling of protein sequence and biophysical properties (such as structural, functional, and spatial information, amino acid conservation, physicochemical variation, residue mobility, and thermodynamic stability) indicates that this missense variant is not expected to disrupt ITPR1 protein function with a negative predictive value of 95%. In summary, the available evidence is currently insufficient to determine the role of this variant in disease. Therefore, it has been classified as a Variant of Uncertain Significance.

GeneDx
Classification: Uncertain significance. Last evaluated: 2024-03-18. Review status: criteria provided, single submitter. Criteria: GeneDx Variant Classification Process June 2021. Collection method: clinical testing. Allele origin: germline. Affected: yes.
Comment: In silico analysis supports that this missense variant does not alter protein structure/function; Has not been previously published as pathogenic or benign to our knowledge

NM_001378452.1(ITPR1):c.5689G>A (p.Asp1897Asn)

Gene: ITPR1 (inositol 1,4,5-trisphosphate receptor type 1; plus strand). Cytogenetic location: 3p26.1.
Variant type: single nucleotide variant.
Coding change: c.5689G>A on transcript NM_001378452.1 (MANE Select); coding-DNA position 5689, G replaced by A.
Protein change: p.Asp1897Asn; replaces aspartic acid 1897 with asparagine.
Molecular consequence: missense variant.
Genome position (GRCh38, 1-based): chr3:4,766,674, G>A. VCF-style: chr3-4766674-G-A. GRCh37 (hg19) VCF-style: chr3-4808358-G-A.
Other names: c.5545G>A, p.Asp1849Asn (NM_001099952.4); c.5644G>A, p.Asp1882Asn (NM_001168272.2); c.5500G>A, p.Asp1834Asn (NM_002222.7); short protein forms D1834N, D1849N, D1882N, D1897N.
Identifiers: ClinVar variation 1306731 (VCV001306731.10), dbSNP rs370615766, ClinGen allele CA2232385.